The following is an entry in ClinVar:

NM_198253.3(TERT):c.1219G>T (p.Val407Leu)

Gene: TERT (telomerase reverse transcriptase; minus strand). Cytogenetic location: 5p15.33.
Variant type: single nucleotide variant.
Coding change: c.1219G>T on transcript NM_198253.3 (MANE Select); coding-DNA position 1219, G replaced by T.
Protein change: p.Val407Leu; replaces valine 407 with leucine.
Molecular consequence: missense variant. On other transcripts: non-coding transcript variant (2).
Genome position (GRCh38, 1-based): chr5:1,293,667, C>A on the plus strand (G>T on the coding strand, the complement: TERT is on the minus strand). VCF-style: chr5-1293667-C-A. GRCh37 (hg19) VCF-style: chr5-1293782-C-A.
Other names: c.1219G>T, p.Val407Leu (NM_001193376.3); short protein forms V407L.
Identifiers: ClinVar variation 3805786 (VCV003805786.1).
Genomic context (GRCh38, chr5:1,293,667, plus strand): 5'-CACAGACACCGGCTGCTGGGGTGACCGCAGCTCGCAGCGGGCAGTGCGTCTTGAGGAGCA[C>A]CCCGTAGGGGCACTGCGCGTGGTTCCCAAGCAGCTCCAGAAACAGGGGCCGCATTTGCCA-3'
Protein context (NP_937983.2, residues 397-417): LGNHAQCPYG[Val407Leu]LLKTHCPLRA

ClinVar aggregate classification (germline): Uncertain significance (1 of 4 stars; one submission).

Conditions:
Dyskeratosis congenita. Identifiers: Orphanet 1775, MedGen C0265965, MONDO:0015780.

Submission:

Ambry Genetics
Classification: Uncertain significance for Dyskeratosis congenita. Last evaluated: 2025-02-03. Review status: criteria provided, single submitter. Criteria: Ambry Variant Classification Scheme 2023. Collection method: clinical testing. Allele origin: germline.
Comment: The p.V407L variant (also known as c.1219G>T), located in coding exon 2 of the TERT gene, results from a G to T substitution at nucleotide position 1219. The valine at codon 407 is replaced by leucine, an amino acid with highly similar properties. This amino acid position is conserved. In addition, this alteration is predicted to be tolerated by in silico analysis. Based on the available evidence, the clinical significance of this variant remains unclear.